The following is an entry in ClinVar:

ClinVar aggregate classification (germline): Uncertain significance. Review status: criteria provided, multiple submitters, no conflicts (2 of 4 stars). 2 submissions from 2 submitters: Uncertain significance (2). Last evaluated 2017-06-02.

Conditions:
Cardiomyopathy (CMYO). Also called: Cardiomyopathies. Identifiers: Orphanet 167848, MedGen C0878544, MONDO:0004994, HP:0001638. Inheritance: Various modes of inheritance.

Submissions (2):

CHEO Genetics Diagnostic Laboratory, Children's Hospital of Eastern Ontario
Classification: Uncertain significance for Cardiomyopathy. Last evaluated: 2017-06-02. Review status: criteria provided, single submitter. Criteria: ACMG Guidelines, 2015. Collection method: clinical testing. Allele origin: germline. Study: Canadian Open Genetics Repository.

GeneDx
Classification: Uncertain significance. Last evaluated: 2017-02-06. Review status: criteria provided, single submitter. Criteria: GeneDx Variant Classification (06012015). Collection method: clinical testing. Allele origin: germline. Affected: yes.
Comment: A variant of uncertain significance has been identified in the MYH7 gene. The K657M variant has not been published as a pathogenic variant, nor has it been reported as a benign variant to our knowledge. The K657M variant is not observed in large population cohorts (Lek et al., 2016; McVean et al., 2012; Exome Variant Server). The K657M variant is a non-conservative amino acid substitution, which is likely to impact secondary protein structure as these residues differ in polarity, charge, size and/or other properties. Additionally, this substitution occurs at a position that is conserved across species, and in silico analysis predicts this variant is probably damaging to the protein structure/function. Though a substitution at the same amino acid position (K657Q) has been reported in the Human Gene Mutation Database in association with HCM (Stenson et al., 2014), the precise role of this variant in disease is also unclear. Observation in additional affected individuals, functional evidence, and segregation data are needed to clarify the pathogenicity of the K657M variant.

NM_000257.4(MYH7):c.1970A>T (p.Lys657Met)

Gene: MYH7 (myosin heavy chain 7; minus strand). Cytogenetic location: 14q11.2.
Variant type: single nucleotide variant.
Coding change: c.1970A>T on transcript NM_000257.4 (MANE Select); coding-DNA position 1970, A replaced by T.
Protein change: p.Lys657Met; replaces lysine 657 with methionine.
Molecular consequence: missense variant.
Genome position (GRCh38, 1-based): chr14:23,426,851, T>A on the plus strand (A>T on the coding strand, the complement: MYH7 is on the minus strand). VCF-style: chr14-23426851-T-A. GRCh37 (hg19) VCF-style: chr14-23896060-T-A.
Other names: c.1970A>T (LRG_384t1); short protein forms K657M.
Identifiers: ClinVar variation 418359 (VCV000418359.4), dbSNP rs1064793204, ClinGen allele CA16619853.
Genomic context (GRCh38, chr14:23,426,851, plus strand): 5'-TCATTAGGGATGATACAACGTACAAAGTGGGGATGGGTGGAGCGCAAGTTGGTCATCAGC[T>A]TGTTCAGATTTTCCTGTGGCCAAAAATGCAATAGAGAAAAGTAAAGAAAATGCCAGAAAG-3'
Protein context (NP_000248.2, residues 647-667): VSALHRENLN[Lys657Met]LMTNLRSTHP